The following is an entry in ClinVar:

ClinVar aggregate classification (germline): Uncertain significance. Review status: criteria provided, multiple submitters, no conflicts (2 of 4 stars). 2 submissions from 2 submitters: Uncertain significance (2). Last evaluated 2023-12-18.

Conditions:
Malignant hyperthermia, susceptibility to, 5 (MHS5). Also called: CACNA1S-Related Malignant Hyperthermia Susceptibility. Identifiers: Orphanet 423, MedGen C1866077, MONDO:0011163, OMIM 601887.

Submissions (2):

All of Us Research Program, National Institutes of Health
Classification: Uncertain significance for Malignant hyperthermia, susceptibility to, 5. Last evaluated: 2023-12-18. Review status: criteria provided, single submitter. Criteria: ACMG Guidelines, 2015. Collection method: clinical testing. Allele origin: germline. Inheritance: Autosomal dominant inheritance. Observed: 1 variant allele, 1 heterozygote.
Comment: This missense variant replaces isoleucine with methionine at codon 233 of the CACNA1S protein. Computational prediction suggests that this variant may not impact protein structure and function (internally defined REVEL score threshold <= 0.5, PMID: 27666373). To our knowledge, functional studies have not been reported for this variant. This variant has not been reported in individuals affected with CACNA1S-related disorders in the literature. This variant has been identified in 1/249776 chromosomes in the general population by the Genome Aggregation Database (gnomAD). The available evidence is insufficient to determine the role of this variant in disease conclusively. Therefore, this variant is classified as a Variant of Uncertain Significance.

This study involves interpretation of variants in research participants for the purpose of population health screening. Participant phenotype was not available at the time of variant classification. Additional details can be found in publication PMID: 35346344, PMCID: PMC8962531

Color Diagnostics, LLC DBA Color Health
Classification: Uncertain significance for Malignant hyperthermia, susceptibility to, 5. Last evaluated: 2023-11-10. Review status: criteria provided, single submitter. Criteria: ACMG Guidelines, 2015. Collection method: clinical testing. Allele origin: germline.
Comment: This missense variant replaces isoleucine with methionine at codon 233 of the CACNA1S protein. Computational prediction suggests that this variant may not impact protein structure and function (internally defined REVEL score threshold <= 0.5, PMID: 27666373). To our knowledge, functional studies have not been reported for this variant. This variant has not been reported in individuals affected with CACNA1S-related disorders in the literature. This variant has been identified in 1/249776 chromosomes in the general population by the Genome Aggregation Database (gnomAD). The available evidence is insufficient to determine the role of this variant in disease conclusively. Therefore, this variant is classified as a Variant of Uncertain Significance.

NM_000069.3(CACNA1S):c.699C>G (p.Ile233Met)

Gene: CACNA1S (calcium voltage-gated channel subunit alpha1 S; minus strand). Cytogenetic location: 1q32.1.
Variant type: single nucleotide variant.
Coding change: c.699C>G on transcript NM_000069.3 (MANE Select); coding-DNA position 699, C replaced by G.
Protein change: p.Ile233Met; replaces isoleucine 233 with methionine.
Molecular consequence: missense variant.
Genome position (GRCh38, 1-based): chr1:201,089,459, G>C on the plus strand (C>G on the coding strand, the complement: CACNA1S is on the minus strand). VCF-style: chr1-201089459-G-C. GRCh37 (hg19) VCF-style: chr1-201058587-G-C.
Other names: short protein forms I233M.
Identifiers: ClinVar variation 3074833 (VCV003074833.2), dbSNP rs756008578, ClinGen allele CA344137153.
Genomic context (GRCh38, chr1:201,089,459, plus strand): 5'-CCGGCGCCCTGAGCCCGTCCTGGCGCAGGGCGATGGCTCTTCATTCTCCACCGTGGCCAC[G>C]ATATCTGGAGGCAGAAGGCAAAGGGAACATCAGACAACAGTAGTAGGTGGACAACGACAG-3'
Protein context (NP_000060.2, residues 223-243): HKTCYFIGTD[Ile233Met]VATVENEEPS